The following is an entry in ClinVar:

NM_001099271.2(POC5):c.904A>G (p.Arg302Gly)

Gene: POC5 (POC5 centriolar protein; minus strand). Cytogenetic location: 5q13.3.
Variant type: single nucleotide variant.
Coding change: c.904A>G on transcript NM_001099271.2 (MANE Select); coding-DNA position 904, A replaced by G.
Protein change: p.Arg302Gly; replaces arginine 302 with glycine.
Molecular consequence: missense variant.
Genome position (GRCh38, 1-based): chr5:75,690,454, T>C on the plus strand (A>G on the coding strand, the complement: POC5 is on the minus strand). VCF-style: chr5-75690454-T-C. GRCh37 (hg19) VCF-style: chr5-74986279-T-C.
Other names: c.829A>G, p.Arg277Gly (NM_152408.3); short protein forms R302G, R277G.
Identifiers: ClinVar variation 4693484 (VCV004693484.1).

ClinVar aggregate classification (germline): Uncertain significance (1 of 4 stars; one submission).

gnomAD v4.1: 7 of 1,612,134 alleles (0.00043%); highest among the groups gnomAD compares: African/African-American, 0.008%; no homozygotes.

Submission:

Labcorp Genetics (formerly Invitae), Labcorp
Classification: Uncertain significance. Last evaluated: 2025-12-03. Review status: criteria provided, single submitter. Criteria: Invitae Variant Classification Sherloc (09022015). Collection method: clinical testing. Allele origin: germline.
Comment: This sequence change replaces arginine, which is basic and polar, with glycine, which is neutral and non-polar, at codon 302 of the POC5 protein (p.Arg302Gly). This variant is not present in population databases (gnomAD no frequency). This variant has not been reported in the literature in individuals affected with POC5-related conditions. An algorithm developed to predict the effect of missense changes on protein structure and function (PolyPhen-2) suggests that this variant is likely to be disruptive. In summary, the available evidence is currently insufficient to determine the role of this variant in disease. Therefore, it has been classified as a Variant of Uncertain Significance.